The following is an entry in ClinVar:

NM_001365276.2(TNXB):c.9184C>T (p.Arg3062Cys)

Gene: TNXB (tenascin XB; minus strand). Cytogenetic location: 6p21.33.
Variant type: single nucleotide variant.
Coding change: c.9184C>T on transcript NM_001365276.2 (MANE Select); coding-DNA position 9184, C replaced by T.
Protein change: p.Arg3062Cys; replaces arginine 3062 with cysteine.
Molecular consequence: missense variant.
Genome position (GRCh38, 1-based): chr6:32,050,253, G>A on the plus strand (C>T on the coding strand, the complement: TNXB is on the minus strand). VCF-style: chr6-32050253-G-A. GRCh37 (hg19) VCF-style: chr6-32018030-G-A.
Other names: c.9925C>T, p.Arg3309Cys (NM_001428335.1); c.9178C>T, p.Arg3060Cys (NM_019105.8); short protein forms R3060C, R3062C, R3309C.
Identifiers: ClinVar variation 3459909 (VCV003459909.1).
Genomic context (GRCh38, chr6:32,050,253, plus strand): 5'-CCATCCAGGACAGGCTGAGGGAGTCGGGGGTGGCATCTGTCACGGTCAGCTCCCCCAGGC[G>A]AGGCTTGATGGGGGGCTCAGGGGTCATGGTAGGCACTGCTTGGGTGGTCTCGGCTTCATC-3'
Protein context (NP_001352205.1, residues 3052-3072): TMTPEPPIKP[Arg3062Cys]LGELTVTDAT

ClinVar aggregate classification (germline): Uncertain significance (1 of 4 stars; one submission).

Conditions:
Cardiovascular phenotype. Identifiers: MedGen CN230736.

gnomAD v4.1: 30 of 1,613,622 alleles (0.0019%); highest among the groups gnomAD compares: South Asian, 0.0077%; no homozygotes.

Submission:

Ambry Genetics
Classification: Uncertain significance for Cardiovascular phenotype. Last evaluated: 2024-11-10. Review status: criteria provided, single submitter. Criteria: Ambry Variant Classification Scheme 2023. Collection method: clinical testing. Allele origin: germline.
Comment: The p.R3060C variant (also known as c.9178C>T), located in coding exon 26 of the TNXB gene, results from a C to T substitution at nucleotide position 9178. The arginine at codon 3060 is replaced by cysteine, an amino acid with highly dissimilar properties. This amino acid position is conserved. In addition, this alteration is predicted to be tolerated by in silico analysis. Based on the available evidence, the clinical significance of this variant remains unclear.